The following is an entry in ClinVar:

NM_001171613.2(PREPL):c.877C>T (p.Arg293Trp)

Gene: PREPL (prolyl endopeptidase like; minus strand). Cytogenetic location: 2p21.
Variant type: single nucleotide variant.
Coding change: c.877C>T on transcript NM_001171613.2 (MANE Select); coding-DNA position 877, C replaced by T.
Protein change: p.Arg293Trp; replaces arginine 293 with tryptophan.
Molecular consequence: missense variant. On other transcripts: intron variant (1).
Genome position (GRCh38, 1-based): chr2:44,338,362, G>A on the plus strand (C>T on the coding strand, the complement: PREPL is on the minus strand). VCF-style: chr2-44338362-G-A. GRCh37 (hg19) VCF-style: chr2-44565501-G-A.
Other names: c.1144C>T, p.Arg382Trp (NM_001042386.2, NM_001171603.1, NM_001171606.2 and 3 more transcripts); c.877C>T, p.Arg293Trp (NM_001171617.1, NM_001374277.1); c.969+785C>T (NM_001042385.2); short protein forms R382W, R293W.
Identifiers: ClinVar variation 1381888 (VCV001381888.8), dbSNP rs745708452, ClinGen allele CA1641322.

ClinVar aggregate classification (germline): Uncertain significance. Review status: criteria provided, multiple submitters, no conflicts (2 of 4 stars). 4 submissions from 4 submitters: Uncertain significance (4). Last evaluated 2026-01-19.

Conditions:
PREPL-related disorder. Also called: PREPL-related condition.
Inborn genetic diseases. Identifiers: MedGen C0950123, MeSH D030342.
Myasthenic syndrome, congenital, 22 (CMS22). Also called: PREPL DEFICIENCY. Identifiers: MedGen C4479088, MONDO:0044299, OMIM 616224.

Allele frequency attached by ClinVar (database versions not stated): ExAC 0.00006.
gnomAD v4.1: 64 of 1,611,024 alleles (0.004%); highest among the groups gnomAD compares: Middle Eastern, 0.017%; no homozygotes.

Submissions (4):

Labcorp Genetics (formerly Invitae), Labcorp
Classification: Uncertain significance for Myasthenic syndrome, congenital, 22. Last evaluated: 2026-01-19. Review status: criteria provided, single submitter. Criteria: Invitae Variant Classification Sherloc (09022015). Collection method: clinical testing. Allele origin: germline.
Comment: This sequence change replaces arginine, which is basic and polar, with tryptophan, which is neutral and slightly polar, at codon 382 of the PREPL protein (p.Arg382Trp). This variant is present in population databases (rs745708452, gnomAD 0.01%). This variant has not been reported in the literature in individuals affected with PREPL-related conditions. ClinVar contains an entry for this variant (Variation ID: 1381888). Invitae Evidence Modeling of protein sequence and biophysical properties (such as structural, functional, and spatial information, amino acid conservation, physicochemical variation, residue mobility, and thermodynamic stability) indicates that this missense variant is not expected to disrupt PREPL protein function with a negative predictive value of 80%. In summary, the available evidence is currently insufficient to determine the role of this variant in disease. Therefore, it has been classified as a Variant of Uncertain Significance.

PreventionGenetics, part of Exact Sciences
Classification: Uncertain significance for PREPL-related condition. Last evaluated: 2025-02-13. Review status: criteria provided, single submitter. Criteria: ACMG Guidelines, 2015. Collection method: clinical testing. Allele origin: germline.
Comment: The PREPL c.1144C>T variant is predicted to result in the amino acid substitution p.Arg382Trp. To our knowledge, this variant has not been reported in the literature. This variant is reported in 0.013% of alleles in individuals of European (non-Finnish) descent in gnomAD. At this time, the clinical significance of this variant is uncertain due to the absence of conclusive functional and genetic evidence.

Department of Pathology and Laboratory Medicine, Sinai Health System
Classification: Uncertain significance for Myasthenic syndrome, congenital, 22. Last evaluated: 2022-02-09. Review status: criteria provided, single submitter. Criteria: ACMG Guidelines, 2015. Collection method: research. Allele origin: germline.

Ambry Genetics
Classification: Uncertain significance for Inborn genetic diseases. Last evaluated: 2021-08-02. Review status: criteria provided, single submitter. Criteria: Ambry Variant Classification Scheme 2023. Collection method: clinical testing. Allele origin: germline.